The following is an entry in ClinVar:

NM_000046.5(ARSB):c.499+2T>A

Gene: ARSB (arylsulfatase B; minus strand). Cytogenetic location: 5q14.1.
Variant type: single nucleotide variant.
Coding change: c.499+2T>A on transcript NM_000046.5 (MANE Select); the canonical splice donor site of the intron after coding-DNA position 499, T replaced by A.
Molecular consequence: splice donor variant.
Genome position (GRCh38, 1-based): chr5:78,969,004, A>T on the plus strand (T>A on the coding strand, the complement: ARSB is on the minus strand). VCF-style: chr5-78969004-A-T. GRCh37 (hg19) VCF-style: chr5-78264827-A-T.
Other names: c.499+2T>A (NM_198709.3).
Identifiers: ClinVar variation 1958584 (VCV001958584.5), dbSNP rs2530606066, ClinGen allele CA360193811.

ClinVar aggregate classification (germline): Likely pathogenic (1 of 4 stars; one submission).

Conditions:
Mucopolysaccharidosis type 6 (MPS6). Also called: MPS VI; ARSB DEFICIENCY; ARYLSULFATASE B DEFICIENCY; MPS 6; Maroteaux Lamy syndrome; N-ACETYLGALACTOSAMINE-4-SULFATASE DEFICIENCY. Identifiers: Orphanet 583, MedGen C0026709, MONDO:0009661, OMIM 253200.

Submission:

Labcorp Genetics (formerly Invitae), Labcorp
Classification: Likely pathogenic for Mucopolysaccharidosis type 6. Last evaluated: 2024-12-09. Review status: criteria provided, single submitter. Criteria: Invitae Variant Classification Sherloc (09022015). Collection method: clinical testing. Allele origin: germline.
Comment: This sequence change affects a donor splice site in intron 2 of the ARSB gene. It is expected to disrupt RNA splicing. Variants that disrupt the donor or acceptor splice site typically lead to a loss of protein function (PMID: 16199547), and loss-of-function variants in ARSB are known to be pathogenic (PMID: 17458871, 22133300). This variant is not present in population databases (gnomAD no frequency). Disruption of this splice site has been observed in individual(s) with mucopolysaccharidosis type VI (internal data). ClinVar contains an entry for this variant (Variation ID: 1958584). Algorithms developed to predict the effect of sequence changes on RNA splicing suggest that this variant may disrupt the consensus splice site. In summary, the currently available evidence indicates that the variant is pathogenic, but additional data are needed to prove that conclusively. Therefore, this variant has been classified as Likely Pathogenic.

Literature cited by the submitters: PubMed 16199547; PubMed 17458871; PubMed 22133300.